The following is an entry in ClinVar:

ClinVar aggregate classification (germline): Uncertain significance (1 of 4 stars; one submission).

Conditions:
Inborn genetic diseases. Identifiers: MedGen C0950123, MeSH D030342.

Submission:

Ambry Genetics
Classification: Uncertain significance for Inborn genetic diseases. Last evaluated: 2025-03-10. Review status: criteria provided, single submitter. Criteria: Ambry Variant Classification Scheme 2023. Collection method: clinical testing. Allele origin: germline.
Comment: The p.D145G variant (also known as c.434A>G), located in coding exon 1 of the SAMD9 gene, results from an A to G substitution at nucleotide position 434. The aspartic acid at codon 145 is replaced by glycine, an amino acid with similar properties. This amino acid position is conserved. In addition, this alteration is predicted to be tolerated by in silico analysis. Based on the available evidence, the clinical significance of this variant remains unclear.

NM_017654.4(SAMD9):c.434A>G (p.Asp145Gly)

Gene: SAMD9 (sterile alpha motif domain containing 9; minus strand). Cytogenetic location: 7q21.2.
Variant type: single nucleotide variant.
Coding change: c.434A>G on transcript NM_017654.4 (MANE Select); coding-DNA position 434, A replaced by G.
Protein change: p.Asp145Gly; replaces aspartic acid 145 with glycine.
Molecular consequence: missense variant.
Genome position (GRCh38, 1-based): chr7:93,105,664, T>C on the plus strand (A>G on the coding strand, the complement: SAMD9 is on the minus strand). VCF-style: chr7-93105664-T-C. GRCh37 (hg19) VCF-style: chr7-92734977-T-C.
Other names: c.434A>G, p.Asp145Gly (NM_001193307.2); short protein forms D145G.
Identifiers: ClinVar variation 3792165 (VCV003792165.1).